The following is an entry in ClinVar:

ClinVar aggregate classification (germline): Uncertain significance (1 of 4 stars; one submission).

Conditions:
Very long chain acyl-CoA dehydrogenase deficiency (ACADVLD). Also called: VLCAD Deficiency; Very Long-Chain Acyl-Coenzyme A Dehydrogenase Deficiency. Identifiers: Orphanet 26793, MedGen C3887523, MONDO:0008723, OMIM 201475.

Submission:

Labcorp Genetics (formerly Invitae), Labcorp
Classification: Uncertain significance for Very long chain acyl-CoA dehydrogenase deficiency. Last evaluated: 2022-07-02. Review status: criteria provided, single submitter. Criteria: Invitae Variant Classification Sherloc (09022015). Collection method: clinical testing. Allele origin: germline.
Comment: This sequence change replaces proline, which is neutral and non-polar, with leucine, which is neutral and non-polar, at codon 91 of the ACADVL protein (p.Pro91Leu). This variant is not present in population databases (gnomAD no frequency). This missense change has been observed in individual(s) with clinical features of very long chain acyl-CoA dehydrogenase deficiency (PMID: 23966064, 28755359). Algorithms developed to predict the effect of missense changes on protein structure and function are either unavailable or do not agree on the potential impact of this missense change (SIFT: "Deleterious"; PolyPhen-2: "Probably Damaging"; Align-GVGD: "Class C15"). In summary, the available evidence is currently insufficient to determine the role of this variant in disease. Therefore, it has been classified as a Variant of Uncertain Significance.

Literature cited by the submitters: PubMed 23966064; PubMed 28755359.

NM_000018.4(ACADVL):c.272C>T (p.Pro91Leu)

Gene: ACADVL (acyl-CoA dehydrogenase very long chain; plus strand). Cytogenetic location: 17p13.1.
Variant type: single nucleotide variant.
Coding change: c.272C>T on transcript NM_000018.4 (MANE Select); coding-DNA position 272, C replaced by T.
Protein change: p.Pro91Leu; replaces proline 91 with leucine.
Molecular consequence: missense variant.
Genome position (GRCh38, 1-based): chr17:7,220,671, C>T. VCF-style: chr17-7220671-C-T. GRCh37 (hg19) VCF-style: chr17-7123990-C-T.
Other names: c.206C>T, p.Pro69Leu (NM_001033859.3); c.341C>T, p.Pro114Leu (NM_001270447.2); c.44C>T, p.Pro15Leu (NM_001270448.2); short protein forms P114L, P15L, P69L, P91L.
Identifiers: ClinVar variation 2137889 (VCV002137889.1), dbSNP rs2071160066, ClinGen allele CA397722471.
Genomic context (GRCh38, chr17:7,220,671, plus strand): 5'-AGTCCTTTGCTGTGGGAATGTTCAAAGGCCAGCTCACCACAGATCAGGTGTTCCCATACC[C>T]GTCCGGTAAGGGAAGGGATAATCAGAGCTGGGTGGGGCCAGGGTGGTTTCCCCTGCCAGC-3'
Protein context (NP_000009.1, residues 81-101): QLTTDQVFPY[Pro91Leu]SVLNEEQTQF